The following is an entry in ClinVar:

ClinVar aggregate classification (germline): Uncertain significance (1 of 4 stars; one submission).

Conditions:
Familial adenomatous polyposis 1 (FAP1). Also called: FAMILIAL ADENOMATOUS POLYPOSIS 1, ATTENUATED; POLYPOSIS, ADENOMATOUS INTESTINAL. Identifiers: MedGen C2713442, MONDO:0021056, OMIM 175100. Disease mechanism: loss of function.

Submission:

Labcorp Genetics (formerly Invitae), Labcorp
Classification: Uncertain significance for Familial adenomatous polyposis 1. Last evaluated: 2025-08-31. Review status: criteria provided, single submitter. Criteria: Invitae Variant Classification Sherloc (09022015). Collection method: clinical testing. Allele origin: germline.
Comment: This variant occurs in a non-coding region of the APC gene. It does not change the encoded amino acid sequence of the APC protein. This variant is not present in population databases (gnomAD no frequency). This variant has not been reported in the literature in individuals affected with APC-related conditions. Experimental studies and prediction algorithms are not available or were not evaluated, and the functional significance of this variant is currently unknown. In summary, the available evidence is currently insufficient to determine the role of this variant in disease. Therefore, it has been classified as a Variant of Uncertain Significance.

NM_001127511.3(APC):c.10T>C (p.Ser4Pro)

Gene: APC (APC regulator of Wnt signaling pathway; plus strand). Cytogenetic location: 5q22.2.
Variant type: single nucleotide variant.
Coding change: c.10T>C on transcript NM_001127511.3; coding-DNA position 10, T replaced by C.
Protein change: p.Ser4Pro; replaces serine 4 with proline.
Molecular consequence: missense variant. On other transcripts: 5 prime UTR variant (8), non-coding transcript variant (1), intron variant (5).
Genome position (GRCh38, 1-based): chr5:112,707,727, T>C. VCF-style: chr5-112707727-T-C. GRCh37 (hg19) VCF-style: chr5-112043424-T-C.
Other names: c.-174T>C (NM_001407456.1, NM_001407460.1, NM_001407469.1 and 3 more transcripts); c.-1209T>C (NM_001407470.1, NM_001407472.1); c.-19+78T>C (NM_001407448.1, NM_001407450.1, NM_001407457.1 and 1 more transcripts); c.-43+78T>C (NM_001407453.1); c.10T>C, p.Ser4Pro (NM_001354897.2, NM_001354902.2, NM_001407446.1); short protein forms S4P.
Identifiers: ClinVar variation 1004100 (VCV001004100.8), dbSNP rs959934876, ClinGen allele CA124925106.